The following is an entry in ClinVar:

NM_138409.4(MRAP2):c.127+7T>G

Gene: MRAP2 (melanocortin 2 receptor accessory protein 2; plus strand). Cytogenetic location: 6q14.2.
Variant type: single nucleotide variant.
Coding change: c.127+7T>G on transcript NM_138409.4 (MANE Select); 7 bases into the intron after coding-DNA position 127, T replaced by G.
Molecular consequence: intron variant.
Genome position (GRCh38, 1-based): chr6:84,055,452, T>G. VCF-style: chr6-84055452-T-G. GRCh37 (hg19) VCF-style: chr6-84765171-T-G.
Other names: c.127+7T>G (NM_138409.3, NM_001346542.2, NM_001346544.2); c.-133+7T>G (NM_001346543.2); c.-32+7T>G (NM_001346541.2).
Identifiers: ClinVar variation 1570255 (VCV001570255.10), dbSNP rs112932891, ClinGen allele CA3909560.

ClinVar aggregate classification (germline): Benign. Review status: criteria provided, single submitter (1 of 4 stars). 2 submissions from 2 submitters: Benign (1). 1 of the submissions does not count toward it. Last evaluated 2026-02-02.

Conditions:
MRAP2-related disorder. Also called: MRAP2-related condition.

Allele frequency attached by ClinVar (database versions not stated): 1000 Genomes Project 0.00919; 1000 Genomes Project 30x 0.00921; gnomAD 0.01058 and 0.01086; TOPMed 0.01100; ESP Exome Variant Server 0.01130; ExAC 0.01395; gnomAD exomes 0.01403 and 0.01486.

Submissions (2):

Labcorp Genetics (formerly Invitae), Labcorp
Classification: Benign. Last evaluated: 2026-02-02. Review status: criteria provided, single submitter. Criteria: Invitae Variant Classification Sherloc (09022015). Collection method: clinical testing. Allele origin: germline.

PreventionGenetics, part of Exact Sciences
Classification: Benign for MRAP2-related condition. Last evaluated: 2019-04-29. Review status: no assertion criteria provided. Collection method: clinical testing. Allele origin: germline. Not counted in ClinVar's aggregate classification.
Comment: This variant is classified as benign based on ACMG/AMP sequence variant interpretation guidelines (Richards et al. 2015 PMID: 25741868, with internal and published modifications).